The following is an entry in ClinVar:

NM_001037131.3(AGAP1):c.802-3C>T

Gene: AGAP1 (ArfGAP with GTPase domain, ankyrin repeat and PH domain 1; plus strand). Cytogenetic location: 2q37.2.
Variant type: single nucleotide variant.
Coding change: c.802-3C>T on transcript NM_001037131.3 (MANE Select); 3 bases into the intron before coding-DNA position 802, C replaced by T.
Molecular consequence: intron variant.
Genome position (GRCh38, 1-based): chr2:235,799,364, C>T. VCF-style: chr2-235799364-C-T. GRCh37 (hg19) VCF-style: chr2-236708008-C-T.
Other names: c.802-3C>T (NM_014914.5, NM_001244888.2).
Identifiers: ClinVar variation 1977890 (VCV001977890.6), dbSNP rs753970882, ClinGen allele CA2184585.

ClinVar aggregate classification (germline): Uncertain significance (1 of 4 stars; one submission).

Allele frequency attached by ClinVar (database versions not stated): gnomAD exomes below 0.00001; ExAC 0.00001; TOPMed 0.00002; gnomAD 0.00003.
gnomAD v4.1: 7 of 1,613,556 alleles (0.00043%); highest among the groups gnomAD compares: African/African-American, 0.004%; no homozygotes.

Submissions (2):

Labcorp Genetics (formerly Invitae), Labcorp
Classification: Uncertain significance. Last evaluated: 2022-05-16. Review status: criteria provided, single submitter. Criteria: Invitae Variant Classification Sherloc (09022015). Collection method: clinical testing. Allele origin: germline.
Comment: This sequence change falls in intron 7 of the AGAP1 gene. It does not directly change the encoded amino acid sequence of the AGAP1 protein. It affects a nucleotide within the consensus splice site. In summary, the available evidence is currently insufficient to determine the role of this variant in disease. Therefore, it has been classified as a Variant of Uncertain Significance. Variants that disrupt the consensus splice site are a relatively common cause of aberrant splicing (PMID: 17576681, 9536098). Algorithms developed to predict the effect of sequence changes on RNA splicing suggest that this variant is not likely to affect RNA splicing. This variant has not been reported in the literature in individuals affected with AGAP1-related conditions. This variant is present in population databases (rs753970882, gnomAD 0.02%).

Dr. Peter K. Rogan Lab, Western University
No classification provided (evidence only). Condition: Clear cell carcinoma of kidney. Review status: no classification provided. Collection method: in vitro. Allele origin: not applicable. Functional consequence: skipped exon. Not counted in ClinVar's aggregate classification.

Literature cited by the submitters: PubMed 17576681 (cited by Labcorp Genetics (formerly Invitae), Labcorp); PubMed 9536098 (cited by Labcorp Genetics (formerly Invitae), Labcorp).